The following is an entry in ClinVar:

ClinVar aggregate classification (germline): Uncertain significance (1 of 4 stars; one submission).

Conditions:
Brugada syndrome. Also called: Sudden unexpected nocturnal death syndrome; Sudden unexplained nocturnal death syndrome; Sudden Unexplained Death Syndrome; Sudden Unexplained Nocturnal Death Syndrome (SUNDS). Identifiers: Orphanet 130, MedGen C1142166, MONDO:0015263.

Submission:

Labcorp Genetics (formerly Invitae), Labcorp
Classification: Uncertain significance for Brugada syndrome. Last evaluated: 2025-05-22. Review status: criteria provided, single submitter. Criteria: Invitae Variant Classification Sherloc (09022015). Collection method: clinical testing. Allele origin: germline.
Comment: This sequence change replaces glycine, which is neutral and non-polar, with serine, which is neutral and polar, at codon 303 of the SCN10A protein (p.Gly303Ser). This variant is not present in population databases (gnomAD no frequency). This variant has not been reported in the literature in individuals affected with SCN10A-related conditions. Invitae Evidence Modeling of protein sequence and biophysical properties (such as structural, functional, and spatial information, amino acid conservation, physicochemical variation, residue mobility, and thermodynamic stability) indicates that this missense variant is not expected to disrupt SCN10A protein function with a negative predictive value of 80%. In summary, the available evidence is currently insufficient to determine the role of this variant in disease. Therefore, it has been classified as a Variant of Uncertain Significance.

NM_006514.4(SCN10A):c.907G>A (p.Gly303Ser)

Gene: SCN10A (sodium voltage-gated channel alpha subunit 10; minus strand). Cytogenetic location: 3p22.2.
Variant type: single nucleotide variant.
Coding change: c.907G>A on transcript NM_006514.4 (MANE Select); coding-DNA position 907, G replaced by A.
Protein change: p.Gly303Ser; replaces glycine 303 with serine.
Molecular consequence: missense variant.
Genome position (GRCh38, 1-based): chr3:38,760,724, C>T on the plus strand (G>A on the coding strand, the complement: SCN10A is on the minus strand). VCF-style: chr3-38760724-C-T. GRCh37 (hg19) VCF-style: chr3-38802215-C-T.
Other names: c.907G>A, p.Gly303Ser (NM_001293306.2, NM_001293307.2); short protein forms G303S.
Identifiers: ClinVar variation 4809037 (VCV004809037.1).